The following is an entry in ClinVar:

NM_000548.5(TSC2):c.4581dup (p.Glu1528Ter)

Gene: TSC2 (TSC complex subunit 2; plus strand). Cytogenetic location: 16p13.3.
Variant type: Duplication.
Coding change: c.4581dup on transcript NM_000548.5 (MANE Select); coding-DNA position 4581, one base duplicated (T; older notation c.4581dupT).
Protein change: p.Glu1528Ter; replaces glutamic acid 1528 with a stop codon.
Molecular consequence: nonsense.
Genome position (GRCh38, 1-based): chr16:2,085,241, T duplicated; the last of 3 consecutive T bases (chr16:2,085,239-2,085,241); duplicating any one gives the same sequence. VCF-style (leftmost placement, unchanged base first): chr16-2085238-C-CT. GRCh37 (hg19) VCF-style: chr16-2135239-C-CT.
Other names: p.Glu1528X; c.4380dup, p.Glu1461Ter (NM_001077183.3); c.4512dup, p.Glu1505Ter (NM_001114382.3); c.4272dup, p.Glu1425Ter (NM_001318827.2); c.4236dup, p.Glu1413Ter (NM_001318829.2); c.3849dup, p.Glu1284Ter (NM_001318831.2); c.4413dup, p.Glu1472Ter (NM_001318832.2); c.4383dup, p.Glu1462Ter (NM_001363528.2); and 2 more; short protein forms E1284*, E1462*, E1484*, E1425*, E1472*, E1413*, E1485*, E1505*.
Identifiers: ClinVar variation 49838 (VCV000049838.6), dbSNP rs137854329, ClinGen allele CA020722.

ClinVar aggregate classification (germline): Pathogenic. Review status: criteria provided, single submitter (1 of 4 stars). 2 submissions from 2 submitters: Pathogenic (1). 1 of the submissions does not count toward it. Last evaluated 2017-12-18.

Conditions:
Tuberous sclerosis syndrome (TSC). Also called: Tuberous Sclerosis Complex; Tuberous sclerosis. Identifiers: Orphanet 805, MedGen C0041341, MONDO:0001734.

Submissions (2):

Laboratory for Molecular Medicine, Mass General Brigham Personalized Medicine
Classification: Pathogenic for Tuberous sclerosis syndrome. Last evaluated: 2017-12-18. Review status: criteria provided, single submitter. Criteria: LMM Criteria. Collection method: clinical testing. Allele origin: germline. Inheritance: Autosomal dominant inheritance. Observed: 1 variant allele.
Comment: The p.Glu1528X variant in TSC2 has been previously reported in 1 individual with tuberous sclerosis complex (TSC; Tuberous Sclerosis Project .). It was absent from large population studies, though th e ability of these studies to accurately detect indels may be limited. This nons ense variant is a result of a duplication of one base pair at position 4581, whi ch creates a premature termination codon at amino acid position 1528. This alter ation is then predicted to lead to a truncated or absent protein. Heterozygous l oss of function of the TSC2 gene is an established disease mechanism in TSC. In summary, this variant meets criteria to be classified as pathogenic for TSC in a n autosomal dominant manner based upon presence in an affected individual, absen ce from controls, and predicted impact to the protein. ACMG/AMP Criteria applied : PVS1, PM2, PS4_Supporting (Richards 2015).

Tuberous sclerosis database (TSC2)
No classification provided. Condition: TSC. Review status: no classification provided. Criteria: Tuberous Sclerosis Database Assertion Criteria 2015. Collection method: curation. Allele origin: germline. Affected: yes. Not counted in ClinVar's aggregate classification.